The following is an entry in ClinVar:

NM_001048174.2(MUTYH):c.125G>C (p.Arg42Thr)

Gene: MUTYH (mutY DNA glycosylase; minus strand). Cytogenetic location: 1p34.1.
Variant type: single nucleotide variant.
Coding change: c.125G>C on transcript NM_001048174.2 (MANE Select); coding-DNA position 125, G replaced by C.
Protein change: p.Arg42Thr; replaces arginine 42 with threonine.
Molecular consequence: missense variant. On other transcripts: 5 prime UTR variant (1), non-coding transcript variant (5), intron variant (5).
Genome position (GRCh38, 1-based): chr1:45,333,552, C>G on the plus strand (G>C on the coding strand, the complement: MUTYH is on the minus strand). VCF-style: chr1-45333552-C-G. GRCh37 (hg19) VCF-style: chr1-45799224-C-G.
Other names: c.125G>C, p.Arg42Thr (NM_001048171.2, NM_001048173.2, NM_001293195.2 and 6 more transcripts); c.128G>C, p.Arg43Thr (NM_001048172.2, NM_001407071.1, NM_001407078.1 and 2 more transcripts); c.209G>C, p.Arg70Thr (NM_001128425.2); c.170G>C, p.Arg57Thr (NM_001293190.2); c.158G>C, p.Arg53Thr (NM_001293191.2, NM_001407077.1); c.-147G>C (NM_001350650.2); c.200G>C, p.Arg67Thr (NM_001407069.1, NM_012222.3); c.167G>C, p.Arg56Thr (NM_001407073.1, NM_001407083.1, NM_001407085.1); and 4 more; short protein forms R53T, R57T, R67T, R42T, R49T, R56T, R70T, R14T.
Identifiers: ClinVar variation 4113500 (VCV004113500.1).

ClinVar aggregate classification (germline): Uncertain significance (1 of 4 stars; one submission).

Conditions:
Hereditary cancer-predisposing syndrome. Also called: Hereditary neoplastic syndrome; Neoplastic Syndromes, Hereditary; Tumor predisposition; Hereditary Cancer Syndrome. Identifiers: Orphanet 140162, MedGen C0027672, MeSH D009386, MONDO:0015356.

Submission:

Ambry Genetics
Classification: Uncertain significance for Hereditary cancer-predisposing syndrome. Last evaluated: 2025-08-27. Review status: criteria provided, single submitter. Criteria: Ambry Variant Classification Scheme 2023. Collection method: clinical testing. Allele origin: germline.
Comment: The p.R70T variant (also known as c.209G>C), located in coding exon 3 of the MUTYH gene, results from a G to C substitution at nucleotide position 209. The arginine at codon 70 is replaced by threonine, an amino acid with similar properties. This amino acid position is conserved. In addition, this alteration is predicted to be tolerated by in silico analysis. Based on the available evidence, the clinical significance of this variant remains unclear.